The following is an entry in ClinVar:

NM_000138.5(FBN1):c.4302del (p.Phe1435fs)

Genes: FBN1 (fibrillin 1; minus strand), LOC126862124 (CDK7 strongly-dependent group 2 enhancer GRCh37_chr15:48764566-48765765; plus strand). Cytogenetic location: 15q21.1.
Variant type: Deletion.
Coding change: c.4302del on transcript NM_000138.5 (MANE Select); coding-DNA position 4302, one base deleted (C; older notation c.4302delC).
Protein change: p.Phe1435fs; shifts the reading frame from phenylalanine 1435.
Molecular consequence: frameshift variant.
Genome position (GRCh38, 1-based): chr15:48,472,585, G deleted on the plus strand (C on the coding strand, the reverse complement: FBN1 is on the minus strand). VCF-style (leftmost placement, unchanged base first): chr15-48472584-AG-A. GRCh37 (hg19) VCF-style: chr15-48764781-AG-A.
Other names: short protein forms F1435fs.
Identifiers: ClinVar variation 953240 (VCV000953240.8), dbSNP rs2043385268, ClinGen allele CA1139663952.

ClinVar aggregate classification (germline): Pathogenic (1 of 4 stars; one submission).

Conditions:
Marfan syndrome (MFS). Also called: FBN1-Related Marfan Syndrome; MARFAN SYNDROME, TYPE I; Marfan syndrome type 1; Marfan's syndrome; Marfan syndrome, classic. Identifiers: Orphanet 284963, Orphanet 558, MedGen C0024796, MONDO:0007947, OMIM 154700.
Familial thoracic aortic aneurysm and aortic dissection (TAAD). Also called: Thoracic aortic aneurysms and dissections. Identifiers: Orphanet 91387, MedGen C4707243, MONDO:0019625.

Submission:

Labcorp Genetics (formerly Invitae), Labcorp
Classification: Pathogenic for Marfan syndrome; Familial thoracic aortic aneurysm and aortic dissection. Last evaluated: 2019-09-27. Review status: criteria provided, single submitter. Criteria: Invitae Variant Classification Sherloc (09022015). Collection method: clinical testing. Allele origin: germline.
Comment: For these reasons, this variant has been classified as Pathogenic. Loss-of-function variants in FBN1 are known to be pathogenic (PMID: 17657824, 19293843). Algorithms developed to predict the effect of sequence changes on RNA splicing suggest that this variant may create or strengthen a splice site, but this prediction has not been confirmed by published transcriptional studies. This variant has not been reported in the literature in individuals with FBN1-related conditions. This variant is not present in population databases (ExAC no frequency). This sequence change creates a premature translational stop signal (p.Phe1435Serfs*40) in the FBN1 gene. It is expected to result in an absent or disrupted protein product.

Literature cited by the submitters: PubMed 17657824; PubMed 19293843.